The following is an entry in ClinVar:

NM_002470.4(MYH3):c.875C>G (p.Ser292Cys)

Gene: MYH3 (myosin heavy chain 3; minus strand). Cytogenetic location: 17p13.1.
Variant type: single nucleotide variant.
Coding change: c.875C>G on transcript NM_002470.4 (MANE Select); coding-DNA position 875, C replaced by G.
Protein change: p.Ser292Cys; replaces serine 292 with cysteine.
Molecular consequence: missense variant.
Genome position (GRCh38, 1-based): chr17:10,647,205, G>C on the plus strand (C>G on the coding strand, the complement: MYH3 is on the minus strand). VCF-style: chr17-10647205-G-C. GRCh37 (hg19) VCF-style: chr17-10550522-G-C.
Other names: short protein forms S292C.
Identifiers: ClinVar variation 211557 (VCV000211557.20), dbSNP rs139480342, ClinGen allele CA209607.

ClinVar aggregate classification (germline): Conflicting classifications of pathogenicity. Review status: criteria provided, conflicting classifications (1 of 4 stars). 7 submissions from 7 submitters: Uncertain significance (3); Benign (1). 3 of the submissions do not count toward it. Last evaluated 2026-01-13.

Conditions:
MYH3-related disorder. Also called: MYH3-Related Disorders; MYH3-related condition. Identifiers: MedGen CN239329.
Meniere disease. Also called: Ménière's disease. Identifiers: MedGen C0025281, MONDO:0007972, OMIM 156000.
Freeman-Sheldon syndrome (DA2A). Also called: CRANIOCARPOTARSAL DYSPLASIA; CRANIOCARPOTARSAL DYSTROPHY; Arthrogryposis, distal, type 2A (Freeman-Sheldon); WHISTLING FACE-WINDMILL VANE HAND SYNDROME. Identifiers: Orphanet 2053, MedGen C0265224, MONDO:0008675, OMIM 193700.
Arthrogryposis, distal, type 2B3. Also called: Arthrogryposis, distal, type 2B3 (Sheldon-Hall). Identifiers: MedGen C5193098, MONDO:0032751, OMIM 618436.
Contractures, pterygia, and spondylocarpotarsal fusion syndrome 1A (CPSFS1A). Also called: MULTIPLE PTERYGIUM SYNDROME, AUTOSOMAL DOMINANT; Distal arthrogryposis type 8; Contractures, pterygia, and variable skeletal fusions syndrome 1A. Identifiers: Orphanet 65743, MedGen C1867440, MONDO:0008338, OMIM 178110.
Contractures, pterygia, and variable skeletal fusions syndrome 1B. Also called: CONTRACTURES, PTERYGIA, AND SPONDYLOCARPOTARSAL FUSION SYNDROME 1B. Identifiers: MedGen C5193114, MONDO:0020746, OMIM 618469.
Distal arthrogryposis type 2B1 (DA2B1). Also called: Arthrogryposis multiplex congenita distal type II with craniofacial abnormalities. Identifiers: Orphanet 1147, MedGen C5193014, MONDO:0020820, OMIM 601680.
Rhabdomyolysis. Also called: Rhabdomyolysis (disease). Identifiers: MedGen C0035410, HP:0003201, MONDO:0005290.

Allele frequency attached by ClinVar (database versions not stated): gnomAD exomes 0.00048 and 0.00099; ESP Exome Variant Server 0.00062; gnomAD 0.00064 and 0.00068; TOPMed 0.00070; ExAC 0.00089.
gnomAD v4.1: 882 of 1,614,022 alleles (0.055%); highest among the groups gnomAD compares: Middle Eastern, 0.016%; 4 homozygotes.

Submissions (7):

Labcorp Genetics (formerly Invitae), Labcorp
Classification: Benign. Last evaluated: 2026-01-13. Review status: criteria provided, single submitter. Criteria: Invitae Variant Classification Sherloc (09022015). Collection method: clinical testing. Allele origin: germline.

Department of Pathology and Laboratory Medicine, Sinai Health System
Classification: Uncertain significance for Contractures, pterygia, and spondylocarpotarsal fusion syndrome 1A; Freeman-Sheldon syndrome; Arthrogryposis, distal, type 2B3; Contractures, pterygia, and variable skeletal fusions syndrome 1B. Last evaluated: 2020-08-25. Review status: criteria provided, single submitter. Criteria: ACMG Guidelines, 2015. Collection method: research. Allele origin: germline.

Illumina Laboratory Services, Illumina
Classification: Uncertain significance for Distal arthrogryposis type 2B1. Last evaluated: 2017-04-27. Review status: criteria provided, single submitter. Criteria: ICSL Variant Classification Criteria 13 December 2019. Collection method: clinical testing. Allele origin: germline.
Comment: This variant was observed as part of a predisposition screen in an ostensibly healthy population. A literature search was performed for the gene, cDNA change, and amino acid change (where applicable). Publications were found based on this search. However, the evidence from the literature, in combination with allele frequency data from public databases where available, was not sufficient to rule this variant in or out of causing disease. Therefore, this variant is classified as a variant of unknown significance.

Genetic Services Laboratory, University of Chicago
Classification: Uncertain significance. Last evaluated: 2015-03-05. Review status: criteria provided, single submitter. Criteria: ACMG Guidelines, 2015. Collection method: clinical testing. Allele origin: germline.

Center for Computational Biology & Bioinformatics, University of California, San Diego
Classification: Uncertain significance for Meniere disease. Last evaluated: 2024-06-03. Review status: no assertion criteria provided. Collection method: research. Allele origin: germline. Affected: yes. Not counted in ClinVar's aggregate classification.

PreventionGenetics, part of Exact Sciences
Classification: Likely benign for MYH3-related condition. Last evaluated: 2019-07-25. Review status: no assertion criteria provided. Collection method: clinical testing. Allele origin: germline. Not counted in ClinVar's aggregate classification.
Comment: This variant is classified as likely benign based on ACMG/AMP sequence variant interpretation guidelines (Richards et al. 2015 PMID: 25741868, with internal and published modifications).

Yale Center for Mendelian Genomics, Yale University
Classification: Likely pathogenic for Rhabdomyolysis. Last evaluated: 2017-08-05. Review status: no assertion criteria provided. Collection method: literature only. Allele origin: germline. Affected: yes. Observed: 1 heterozygote. Not counted in ClinVar's aggregate classification.

Literature cited by the submitters: PubMed 16642020 (cited by Illumina Laboratory Services, Illumina); PubMed 28779239 (cited by Yale Center for Mendelian Genomics, Yale University).